The following is an entry in ClinVar:

NM_004456.5(EZH2):c.2069G>A (p.Arg690His)

Gene: EZH2 (enhancer of zeste 2 polycomb repressive complex 2 subunit; minus strand). Cytogenetic location: 7q36.1.
Variant type: single nucleotide variant.
Coding change: c.2069G>A on transcript NM_004456.5 (MANE Select); coding-DNA position 2069, G replaced by A.
Protein change: p.Arg690His; replaces arginine 690 with histidine.
Molecular consequence: missense variant.
Genome position (GRCh38, 1-based): chr7:148,809,351, C>T on the plus strand (G>A on the coding strand, the complement: EZH2 is on the minus strand). VCF-style: chr7-148809351-C-T. GRCh37 (hg19) VCF-style: chr7-148506443-C-T.
Other names: c.2054G>A, p.Arg685His (NM_001203247.2); c.2027G>A, p.Arg676His (NM_001203248.2); c.1901G>A, p.Arg634His (NM_001203249.2); c.1937G>A, p.Arg646His (NM_152998.3); short protein forms R690H, R676H, R685H, R634H, R646H.
Identifiers: ClinVar variation 451840 (VCV000451840.5), dbSNP rs1554481435, ClinGen allele CA369712270.

ClinVar aggregate classification (germline): Conflicting classifications of pathogenicity. Review status: criteria provided, conflicting classifications (1 of 4 stars). 4 submissions from 4 submitters: Pathogenic (1); Likely pathogenic (1); Uncertain significance (2). Last evaluated 2025-10-09.

Conditions:
EZH2-related disorder.
Inborn genetic diseases. Identifiers: MedGen C0950123, MeSH D030342.
Weaver syndrome (WVS). Also called: Weaver Smith syndrome; Overgrowth syndrome with accelerated skeletal maturation, unusual facies, and camptodactyly. Identifiers: Orphanet 3447, MedGen C0265210, MONDO:0010193, OMIM 277590.

Submissions (4):

Ambry Genetics
Classification: Uncertain significance for Inborn genetic diseases. Last evaluated: 2025-10-09. Review status: criteria provided, single submitter. Criteria: Ambry Variant Classification Scheme 2023. Collection method: clinical testing. Allele origin: germline.
Comment: The c.2069G>A (p.R690H) alteration is located in exon 18 (coding exon 17) of the EZH2 gene. This alteration results from a G to A substitution at nucleotide position 2069, causing the arginine (R) at amino acid position 690 to be replaced by a histidine (H). This variant was not reported in population-based cohorts in the Genome Aggregation Database (gnomAD). This amino acid position is highly conserved in available vertebrate species. This missense alteration is located in a region that has a low rate of benign missense variation (Lek, 2016; Firth, 2009). This alteration is predicted to be deleterious by in silico analysis. Based on insufficient or conflicting evidence, the clinical significance of this alteration remains unclear.

3billion
Classification: Uncertain significance for Weaver syndrome. Last evaluated: 2023-06-28. Review status: criteria provided, single submitter. Criteria: ACMG Guidelines, 2015. Collection method: clinical testing. Allele origin: germline. Affected: yes.
Comment: The variant is not observed in the gnomAD v2.1.1 dataset. Predicted Consequence/Location: Missense changes are a common disease-causing mechanism. In silico tool predictions suggest damaging effect of the variant on gene or gene product (REVEL: 0.91; 3Cnet: 0.98). Same nucleotide change resulting in same amino acid change has been previously reported to be associated with EZH2 related disorder (ClinVar ID: VCV000451840). However, the evidence of pathogenicity is insufficient at this time. Therefore, this variant is classified as VUS according to the recommendation of ACMG/AMP guideline.

Blueprint Genetics
Classification: Pathogenic for EZH2-related disorders. Last evaluated: 2020-05-29. Review status: criteria provided, single submitter. Criteria: ACMG Guidelines, 2015. Collection method: clinical testing. Allele origin: germline. Affected: yes. Observed: 1 variant allele.

GeneDx
Classification: Likely pathogenic. Last evaluated: 2017-09-27. Review status: criteria provided, single submitter. Criteria: GeneDx Variant Classification (06012015). Collection method: clinical testing. Allele origin: germline. Affected: yes.
Comment: The R690H variant has not been published as a pathogenic variant, nor has it been reported as a benign variant to our knowledge. The R690H variant is not observed in large population cohorts (Lek et al., 2016). The R690H variant is a conservative amino acid substitution, which is not likely to impact secondary protein structure as these residues share similar properties. However, this substitution occurs at a position that is conserved across species, and in silico analysis predicts this variant is probably damaging to the protein structure/function. Therefore, this variant is likely pathogenic; however, the possibility that it is benign cannot be excluded.